The following is an entry in ClinVar:

NM_000257.4(MYH7):c.4384G>C (p.Glu1462Gln)

Genes: MHRT (myosin heavy chain associated RNA transcript; plus strand), MYH7 (myosin heavy chain 7; minus strand). Cytogenetic location: 14q11.2.
Variant type: single nucleotide variant.
Coding change: c.4384G>C on transcript NM_000257.4 (MANE Select); coding-DNA position 4384, G replaced by C.
Protein change: p.Glu1462Gln; replaces glutamic acid 1462 with glutamine.
Molecular consequence: missense variant. On other transcripts: non-coding transcript variant (1).
Genome position (GRCh38, 1-based): chr14:23,417,288, C>G on the plus strand (G>C on the coding strand, the complement: MYH7 is on the minus strand). VCF-style: chr14-23417288-C-G. GRCh37 (hg19) VCF-style: chr14-23886497-C-G.
Other names: c.4384G>C, p.Glu1462Gln (NM_001407004.1); short protein forms E1462Q.
Identifiers: ClinVar variation 4860582 (VCV004860582.1).

ClinVar aggregate classification (germline): Uncertain significance (1 of 4 stars; one submission).

Conditions:
Cardiovascular phenotype. Identifiers: MedGen CN230736.

Submission:

Ambry Genetics
Classification: Uncertain significance for Cardiovascular phenotype. Last evaluated: 2026-03-28. Review status: criteria provided, single submitter. Criteria: Ambry Variant Classification Scheme 2023. Collection method: clinical testing. Allele origin: germline.
Comment: The p.E1462Q variant (also known as c.4384G>C), located in coding exon 30 of the MYH7 gene, results from a G to C substitution at nucleotide position 4384. The glutamic acid at codon 1462 is replaced by glutamine, an amino acid with highly similar properties. This amino acid position is conserved. In addition, the in silico prediction for this alteration is inconclusive. Based on the available evidence, the clinical significance of this variant remains unclear.